The following is an entry in ClinVar:

ClinVar aggregate classification (germline): Benign/Likely benign. Review status: criteria provided, multiple submitters, no conflicts (2 of 4 stars). 8 submissions from 6 submitters: Benign (4); Likely benign (2). 2 of the submissions do not count toward it. Last evaluated 2026-02-02.

Conditions:
Meckel-Gruber syndrome. Also called: Dysencephalia splachnocystica; DYSENCEPHALIA SPLANCHNOCYSTICA; GRUBER SYNDROME. Identifiers: Orphanet 564, MedGen C0265215, MONDO:0018921.
Joubert syndrome. Also called: Familial aplasia of the vermis; CEREBELLOPARENCHYMAL DISORDER IV; JOUBERT-BOLTSHAUSER SYNDROME. Identifiers: Orphanet 475, MedGen C5979921, MONDO:0018772.
Nephronophthisis 8. Identifiers: MedGen CN119610.
Meckel syndrome, type 5 (MKS5). Identifiers: Orphanet 564, MedGen C1969052, MONDO:0012695, OMIM 611561.
Joubert syndrome 7 (JBTS7). Identifiers: Orphanet 220497, MedGen C1969053, MONDO:0012694, OMIM 611560.

Allele frequency attached by ClinVar (database versions not stated): gnomAD exomes 0.00128 and 0.00325; ExAC 0.00414; ESP Exome Variant Server 0.01024; gnomAD 0.01282 and 0.01368; TOPMed 0.01443; 1000 Genomes Project 0.01597; 1000 Genomes Project 30x 0.01671.

Submissions (8):

Labcorp Genetics (formerly Invitae), Labcorp
Classification: Benign for Joubert syndrome; Meckel-Gruber syndrome. Last evaluated: 2026-02-02. Review status: criteria provided, single submitter. Criteria: Invitae Variant Classification Sherloc (09022015). Collection method: clinical testing. Allele origin: germline.

Illumina Laboratory Services, Illumina
Classification: Benign for Nephronophthisis 8. Last evaluated: 2018-01-12. Review status: criteria provided, single submitter. Criteria: ICSL Variant Classification Criteria 13 December 2019. Collection method: clinical testing. Allele origin: germline.
Comment: This variant was observed in the ICSL laboratory as part of a predisposition screen in an ostensibly healthy population. It had not been previously curated by ICSL or reported in the Human Gene Mutation Database (HGMD: prior to June 1st, 2018), and was therefore a candidate for classification through an automated scoring system. Utilizing variant allele frequency, disease prevalence and penetrance estimates, and inheritance mode, an automated score was calculated to assess if this variant is too frequent to cause the disease. Based on the score and internal cut-off values, a variant classified as benign is not then subjected to further curation. The score for this variant resulted in a classification of benign for this disease.

Illumina Laboratory Services, Illumina
Classification: Likely benign for Meckel syndrome, type 5. Last evaluated: 2018-01-12. Review status: criteria provided, single submitter. Criteria: ICSL Variant Classification Criteria 13 December 2019. Collection method: clinical testing. Allele origin: germline.
Comment: This variant was observed in the ICSL laboratory as part of a predisposition screen in an ostensibly healthy population. It had not been previously curated by ICSL or reported in the Human Gene Mutation Database (HGMD: prior to June 1st, 2018), and was therefore a candidate for classification through an automated scoring system. Utilizing variant allele frequency, disease prevalence and penetrance estimates, and inheritance mode, an automated score was calculated to assess if this variant is too frequent to cause the disease. Based on the score and internal cut-off values, a variant classified as likely benign is not then subjected to further curation. The score for this variant resulted in a classification of likely benign for this disease.

Illumina Laboratory Services, Illumina
Classification: Benign for Joubert syndrome 7. Last evaluated: 2018-01-12. Review status: criteria provided, single submitter. Criteria: ICSL Variant Classification Criteria 13 December 2019. Collection method: clinical testing. Allele origin: germline.
Comment: the same text as in the submission from Illumina Laboratory Services, Illumina above.

GeneDx
Classification: Benign. Last evaluated: 2016-05-10. Review status: criteria provided, single submitter. Criteria: GeneDx Variant Classification (06012015). Collection method: clinical testing. Allele origin: germline. Affected: yes.
Comment: This variant is considered likely benign or benign based on one or more of the following criteria: it is a conservative change, it occurs at a poorly conserved position in the protein, it is predicted to be benign by multiple in silico algorithms, and/or has population frequency not consistent with disease.

Breakthrough Genomics
Classification: Likely benign. Review status: criteria provided, single submitter. Criteria: ACMG Guidelines, 2015. Collection method: not provided. Allele origin: germline. Inheritance: Autosomal recessive inheritance. Affected: yes.

Clinical Genetics DNA and cytogenetics Diagnostics Lab, Erasmus MC, Erasmus Medical Center
Classification: Likely benign. Review status: no assertion criteria provided. Collection method: clinical testing. Allele origin: germline. Affected: yes. Study: VKGL Data-share Consensus. Not counted in ClinVar's aggregate classification.

Genome Diagnostics Laboratory, University Medical Center Utrecht
Classification: Benign. Review status: no assertion criteria provided. Collection method: clinical testing. Allele origin: germline. Affected: yes. Study: VKGL Data-share Consensus. Not counted in ClinVar's aggregate classification.

NM_015272.5(RPGRIP1L):c.2959-15T>C

Gene: RPGRIP1L (RPGRIP1 like; minus strand). Cytogenetic location: 16q12.2.
Variant type: single nucleotide variant.
Coding change: c.2959-15T>C on transcript NM_015272.5 (MANE Select); 15 bases into the intron before coding-DNA position 2959, T replaced by C.
Molecular consequence: intron variant.
Genome position (GRCh38, 1-based): chr16:53,638,426, A>G on the plus strand (T>C on the coding strand, the complement: RPGRIP1L is on the minus strand). VCF-style: chr16-53638426-A-G. GRCh37 (hg19) VCF-style: chr16-53672338-A-G.
Other names: c.2959-572T>C (NM_001127897.4, NM_001330538.2); c.2959-15T>C (NM_001308334.3).
Identifiers: ClinVar variation 319653 (VCV000319653.17), dbSNP rs11863101, ClinGen allele CA8057399.